The following is an entry in ClinVar:

NM_001371727.1(GABRB2):c.1479A>T (p.Ile493=)

Gene: GABRB2 (gamma-aminobutyric acid type A receptor subunit beta2; minus strand). Cytogenetic location: 5q34.
Variant type: single nucleotide variant.
Coding change: c.1479A>T on transcript NM_001371727.1 (MANE Select); coding-DNA position 1479, A replaced by T.
Protein change: p.Ile493=; no amino-acid change (isoleucine 493 retained).
Molecular consequence: synonymous variant.
Genome position (GRCh38, 1-based): chr5:161,294,141, T>A on the plus strand (A>T on the coding strand, the complement: GABRB2 is on the minus strand). VCF-style: chr5-161294141-T-A. GRCh37 (hg19) VCF-style: chr5-160721148-T-A.
Other names: c.1365A>T, p.Ile455= (NM_000813.3); c.1479A>T, p.Ile493= (NM_021911.3).
Identifiers: ClinVar variation 464937 (VCV000464937.13), dbSNP rs750111998, ClinGen allele CA3543314.

ClinVar aggregate classification (germline): Likely benign. Review status: criteria provided, multiple submitters, no conflicts (2 of 4 stars). 2 submissions from 2 submitters: Likely benign (2). Last evaluated 2025-11-08.

Conditions:
Intellectual disability. Also called: Intellectual functioning disability; Intellectual developmental disorder; intellectual disabilities. Identifiers: MedGen C3714756, MeSH D008607, MONDO:0001071, HP:0001249.

Allele frequency attached by ClinVar (database versions not stated): gnomAD exomes 0.00002; TOPMed 0.00033; ExAC 0.00002; gnomAD 0.00009 and 0.00011.
gnomAD v4.1: 35 of 1,613,918 alleles (0.0022%); highest among the groups gnomAD compares: Admixed American, 0.04%; no homozygotes.

Submissions (2):

Labcorp Genetics (formerly Invitae), Labcorp
Classification: Likely benign for Intellectual disability. Last evaluated: 2025-11-08. Review status: criteria provided, single submitter. Criteria: Invitae Variant Classification Sherloc (09022015). Collection method: clinical testing. Allele origin: germline.

GeneDx
Classification: Likely benign. Last evaluated: 2018-05-02. Review status: criteria provided, single submitter. Criteria: GeneDx Variant Classification (06012015). Collection method: clinical testing. Allele origin: germline. Affected: yes.
Comment: This variant is considered likely benign or benign based on one or more of the following criteria: it is a conservative change, it occurs at a poorly conserved position in the protein, it is predicted to be benign by multiple in silico algorithms, and/or has population frequency not consistent with disease.